The following is an entry in ClinVar:

ClinVar aggregate classification (germline): Uncertain significance (1 of 4 stars; one submission).

Conditions:
Spastic paraplegia. Identifiers: MedGen C0037772, HP:0001258.

Allele frequency attached by ClinVar (database versions not stated): TOPMed below 0.00001; gnomAD 0.00001.
gnomAD v4.1: 3 of 1,614,070 alleles (0.00019%); highest among the groups gnomAD compares: Admixed American, 0.005%; no homozygotes.

Submission:

Labcorp Genetics (formerly Invitae), Labcorp
Classification: Uncertain significance for Spastic paraplegia. Last evaluated: 2022-07-15. Review status: criteria provided, single submitter. Criteria: Invitae Variant Classification Sherloc (09022015). Collection method: clinical testing. Allele origin: germline.
Comment: This sequence change replaces proline, which is neutral and non-polar, with serine, which is neutral and polar, at codon 959 of the ZFYVE26 protein (p.Pro959Ser). This variant is present in population databases (no rsID available, gnomAD 0.003%). This variant has not been reported in the literature in individuals affected with ZFYVE26-related conditions. Algorithms developed to predict the effect of missense changes on protein structure and function (SIFT, PolyPhen-2, Align-GVGD) all suggest that this variant is likely to be tolerated. In summary, the available evidence is currently insufficient to determine the role of this variant in disease. Therefore, it has been classified as a Variant of Uncertain Significance.

NM_015346.4(ZFYVE26):c.2875C>T (p.Pro959Ser)

Gene: ZFYVE26 (zinc finger FYVE-type containing 26; minus strand). Cytogenetic location: 14q24.1.
Variant type: single nucleotide variant.
Coding change: c.2875C>T on transcript NM_015346.4 (MANE Select); coding-DNA position 2875, C replaced by T.
Protein change: p.Pro959Ser; replaces proline 959 with serine.
Molecular consequence: missense variant.
Genome position (GRCh38, 1-based): chr14:67,789,479, G>A on the plus strand (C>T on the coding strand, the complement: ZFYVE26 is on the minus strand). VCF-style: chr14-67789479-G-A. GRCh37 (hg19) VCF-style: chr14-68256196-G-A.
Other names: short protein forms P959S.
Identifiers: ClinVar variation 2156187 (VCV002156187.4), dbSNP rs923716916, ClinGen allele CA262859157.